The following is an entry in ClinVar:

ClinVar aggregate classification (germline): Uncertain significance (1 of 4 stars; one submission).

Allele frequency attached by ClinVar (database versions not stated): ExAC 0.00001.
gnomAD v4.1: 1 of 1,613,980 alleles (0.000062%); highest among the groups gnomAD compares: Non-Finnish European, 0.000085%; no homozygotes.

Submission:

Ambry Genetics
Classification: Uncertain significance. Last evaluated: 2023-07-26. Review status: criteria provided, single submitter. Criteria: Ambry Variant Classification Scheme 2023. Collection method: clinical testing. Allele origin: germline.
Comment: The p.Q220K variant (also known as c.658C>A), located in coding exon 1 of the EGLN1 gene, results from a C to A substitution at nucleotide position 658. The glutamine at codon 220 is replaced by lysine, an amino acid with similar properties. This amino acid position is conserved. In addition, this alteration is predicted to be tolerated by in silico analysis. Since supporting evidence is limited at this time, the clinical significance of this alteration remains unclear.

NM_022051.3(EGLN1):c.658C>A (p.Gln220Lys)

Gene: EGLN1 (egl-9 family hypoxia inducible factor 1; minus strand). Cytogenetic location: 1q42.2.
Variant type: single nucleotide variant.
Coding change: c.658C>A on transcript NM_022051.3 (MANE Select); coding-DNA position 658, C replaced by A.
Protein change: p.Gln220Lys; replaces glutamine 220 with lysine.
Molecular consequence: missense variant.
Genome position (GRCh38, 1-based): chr1:231,421,231, G>T on the plus strand (C>A on the coding strand, the complement: EGLN1 is on the minus strand). VCF-style: chr1-231421231-G-T. GRCh37 (hg19) VCF-style: chr1-231556977-G-T.
Other names: c.658C>A, p.Gln220Lys (NM_001377260.1, NM_001377261.1); short protein forms Q220K.
Identifiers: ClinVar variation 2626703 (VCV002626703.2), dbSNP rs769570694, ClinGen allele CA1453124.